The following is an entry in ClinVar:

ClinVar aggregate classification (germline): Uncertain significance. Review status: criteria provided, multiple submitters, no conflicts (2 of 4 stars). 3 submissions from 3 submitters: Uncertain significance (3). Last evaluated 2023-03-01.

Allele frequency attached by ClinVar (database versions not stated): gnomAD 0.00001; gnomAD exomes 0.00001 and 0.00005; TOPMed 0.00001; ExAC 0.00004.
gnomAD v4.1: 23 of 1,613,300 alleles (0.0014%); highest among the groups gnomAD compares: South Asian, 0.0044%; no homozygotes.

Submissions (3):

Blueprint Genetics
Classification: Uncertain significance. Last evaluated: 2023-03-01. Review status: criteria provided, single submitter. Criteria: ACMG Guidelines, 2015. Collection method: clinical testing. Allele origin: germline.

GeneDx
Classification: Uncertain significance. Last evaluated: 2023-02-24. Review status: criteria provided, single submitter. Criteria: GeneDx Variant Classification Process June 2021. Collection method: clinical testing. Allele origin: germline. Affected: yes.
Comment: Not observed at significant frequency in large population cohorts (gnomAD); In silico analysis, which includes protein predictors and evolutionary conservation, supports a deleterious effect; Has not been previously published as pathogenic or benign to our knowledge

Laboratory for Molecular Medicine, Mass General Brigham Personalized Medicine
Classification: Uncertain significance. Last evaluated: 2017-04-13. Review status: criteria provided, single submitter. Criteria: LMM Criteria. Collection method: clinical testing. Allele origin: germline. Observed: 1 variant allele.
Comment: Variant classified as Uncertain Significance - Favor Benign. The p.Arg406Gln var iant in HARS2 has not been previously reported in individuals with Perrault synd rome, but has been identified in 0.1% (4/30782) of South Asian and 0.1% (6/11168 0) of European chromosomes by the Genome Aggregation Database (gnomAD; dbSNP rs752472621). Although this variant has been see n in the general population, its frequency is not high enough to rule out a path ogenic role. Computational prediction tools and conservation analyses suggest th at this variant may not impact the protein, though this information is not predi ctive enough to rule out pathogenicity. In summary, while the clinical significa nce of the p.Arg406Gln variant is uncertain, these data suggest that it is more likely to be benign.

NM_012208.4(HARS2):c.1217G>A (p.Arg406Gln)

Gene: HARS2 (histidyl-tRNA synthetase 2, mitochondrial; plus strand). Cytogenetic location: 5q31.3.
Variant type: single nucleotide variant.
Coding change: c.1217G>A on transcript NM_012208.4 (MANE Select); coding-DNA position 1217, G replaced by A.
Protein change: p.Arg406Gln; replaces arginine 406 with glutamine.
Molecular consequence: missense variant.
Genome position (GRCh38, 1-based): chr5:140,697,588, G>A. VCF-style: chr5-140697588-G-A. GRCh37 (hg19) VCF-style: chr5-140077173-G-A.
Other names: c.1142G>A, p.Arg381Gln (NM_001278731.2); c.785G>A, p.Arg262Gln (NM_001278732.2); c.1235G>A, p.Arg412Gln (NM_001363535.2); c.1007G>A, p.Arg336Gln (NM_001363536.2); short protein forms R406Q, R381Q, R262Q, R336Q, R412Q.
Identifiers: ClinVar variation 505744 (VCV000505744.7), dbSNP rs752472621, ClinGen allele CA3444650.
Genomic context (GRCh38, chr5:140,697,588, plus strand): 5'-AAGGAGGTTTTTATTAGTTTTACTTTCTTCTCTCTTATTAGACCAAAGGTGAGAAGGTGC[G>A]GACTACAGAGACTCAAGTGTTTGTGGCCACACCACAGAAGAACTTTCTCCAAGAACGGTT-3'
Protein context (NP_036340.1, residues 396-416): QRMKTKGEKV[Arg406Gln]TTETQVFVAT